The following is an entry in ClinVar:

NM_001844.5(COL2A1):c.2895+5G>A

Gene: COL2A1 (collagen type II alpha 1 chain; minus strand). Cytogenetic location: 12q13.11.
Variant type: single nucleotide variant.
Coding change: c.2895+5G>A on transcript NM_001844.5 (MANE Select); 5 bases into the intron after coding-DNA position 2895, G replaced by A.
Molecular consequence: intron variant.
Genome position (GRCh38, 1-based): chr12:47,978,592, C>T on the plus strand (G>A on the coding strand, the complement: COL2A1 is on the minus strand). VCF-style: chr12-47978592-C-T. GRCh37 (hg19) VCF-style: chr12-48372375-C-T.
Other names: c.2688+5G>A (NM_033150.3).
Identifiers: ClinVar variation 3724542 (VCV003724542.3).

ClinVar aggregate classification (germline): Uncertain significance. Review status: criteria provided, multiple submitters, no conflicts (2 of 4 stars). 2 submissions from 2 submitters: Uncertain significance (2). Last evaluated 2026-05-28.

Conditions:
Stickler syndrome. Identifiers: Orphanet 828, MedGen C0265253, MONDO:0019354.

Submissions (2):

Cambridge Genomics Laboratory, East Genomic Laboratory Hub, NHS Genomic Medicine Service
Classification: Uncertain significance for Stickler syndrome. Last evaluated: 2026-05-28. Review status: criteria provided, single submitter. Criteria: ACGS Best Practice Guidelines for Variant Classification in Rare Disease 2020. Collection method: clinical testing. Allele origin: germline. Affected: yes.
Comment: PM2,PP3,PP4

Labcorp Genetics (formerly Invitae), Labcorp
Classification: Uncertain significance. Last evaluated: 2025-04-02. Review status: criteria provided, single submitter. Criteria: Invitae Variant Classification Sherloc (09022015). Collection method: clinical testing. Allele origin: germline.
Comment: This sequence change falls in intron 42 of the COL2A1 gene. It does not directly change the encoded amino acid sequence of the COL2A1 protein. It affects a nucleotide within the consensus splice site. This variant is not present in population databases (gnomAD no frequency). This variant has been observed in individual(s) with clinical features of COL2A1-related conditions (internal data). ClinVar contains an entry for this variant (Variation ID: 3724542). Variants that disrupt the consensus splice site are a relatively common cause of aberrant splicing (PMID: 17576681, 9536098). Algorithms developed to predict the effect of sequence changes on RNA splicing suggest that this variant may disrupt the consensus splice site. In summary, the available evidence is currently insufficient to determine the role of this variant in disease. Therefore, it has been classified as a Variant of Uncertain Significance.

Literature cited by the submitters: PubMed 17576681 (cited by Labcorp Genetics (formerly Invitae), Labcorp); PubMed 9536098 (cited by Labcorp Genetics (formerly Invitae), Labcorp).